The following is an entry in ClinVar:

NM_002693.3(POLG):c.439A>G (p.Ser147Gly)

Genes: POLG (DNA polymerase gamma, catalytic subunit; minus strand), POLGARF (POLG alternative reading frame; minus strand). Cytogenetic location: 15q26.1.
Variant type: single nucleotide variant.
Coding change: c.439A>G on transcript NM_002693.3 (MANE Select); coding-DNA position 439, A replaced by G.
Protein change: p.Ser147Gly; replaces serine 147 with glycine.
Molecular consequence: missense variant.
Genome position (GRCh38, 1-based): chr15:89,333,316, T>C on the plus strand (A>G on the coding strand, the complement: POLG is on the minus strand). VCF-style: chr15-89333316-T-C. GRCh37 (hg19) VCF-style: chr15-89876547-T-C.
Other names: p.Ser147Gly; c.439A>G, p.Ser147Gly (NM_001126131.2); short protein forms S147G.
Identifiers: ClinVar variation 2720859 (VCV002720859.6), dbSNP rs774011106, ClinGen allele CA7725113.

ClinVar aggregate classification (germline): Uncertain significance. Review status: criteria provided, multiple submitters, no conflicts (2 of 4 stars). 3 submissions from 3 submitters: Uncertain significance (3). Last evaluated 2025-05-26.

Conditions:
Progressive sclerosing poliodystrophy (MTDPS4A). Also called: ALPERS PROGRESSIVE INFANTILE POLIODYSTROPHY; NEURONAL DEGENERATION OF CHILDHOOD WITH LIVER DISEASE, PROGRESSIVE; Alpers Syndrome; ALPERS DIFFUSE DEGENERATION OF CEREBRAL GRAY MATTER WITH HEPATIC CIRRHOSIS; Alpers-Huttenlocher Syndrome; Mitochondrial DNA depletion syndrome 4A (Alpers type). Identifiers: Orphanet 726, MedGen C0205710, MONDO:0008758, OMIM 203700.

Allele frequency attached by ClinVar (database versions not stated): gnomAD 0.00001; TOPMed 0.00001.
gnomAD v4.1: 8 of 1,557,624 alleles (0.00051%); highest among the groups gnomAD compares: Non-Finnish European, 0.00061%; no homozygotes.

Submissions (3):

Mayo Clinic Laboratories, Mayo Clinic
Classification: Uncertain significance. Last evaluated: 2025-05-26. Review status: criteria provided, single submitter. Criteria: ACMG Guidelines, 2015. Collection method: clinical testing. Allele origin: germline. Observed: 1 variant allele.
Comment: PP3

Dasa
Classification: Uncertain significance. Last evaluated: 2025-01-07. Review status: criteria provided, single submitter. Criteria: DASA Assertion Criteria. Collection method: clinical testing. Allele origin: germline.
Comment: NM_002693.3(POLG):c.439A>G (p.Ser147Gly) is a missense variant that results in the substitution of serine with glycine. This variant is rare in population databases. The currently available literature and clinical evidence are not sufficient to establish a definitive association between this variant and the reported condition. Therefore, this variant is classified as a variant of uncertain significance.

Labcorp Genetics (formerly Invitae), Labcorp
Classification: Uncertain significance for Progressive sclerosing poliodystrophy. Last evaluated: 2023-12-10. Review status: criteria provided, single submitter. Criteria: Invitae Variant Classification Sherloc (09022015). Collection method: clinical testing. Allele origin: germline.
Comment: This sequence change replaces serine, which is neutral and polar, with glycine, which is neutral and non-polar, at codon 147 of the POLG protein (p.Ser147Gly). This variant is present in population databases (rs774011106, gnomAD 0.01%). This variant has not been reported in the literature in individuals affected with POLG-related conditions. Advanced modeling of protein sequence and biophysical properties (such as structural, functional, and spatial information, amino acid conservation, physicochemical variation, residue mobility, and thermodynamic stability) performed at Invitae indicates that this missense variant is expected to disrupt POLG protein function with a positive predictive value of 95%. In summary, the available evidence is currently insufficient to determine the role of this variant in disease. Therefore, it has been classified as a Variant of Uncertain Significance.